The following is an entry in ClinVar:

ClinVar aggregate classification (germline): Uncertain significance (1 of 4 stars; one submission).

Conditions:
Developmental and epileptic encephalopathy, 1 (DEE1). Also called: INFANTILE SPASM SYNDROME, X-LINKED 1; X-linked infantile spasms; West's syndrome; Tonic spasms with clustering, arrest of psychomotor development and hypsarrhythmia on EEG; X-Linked Infantile Spasm Syndrome; OHTAHARA SYNDROME, X-LINKED. Identifiers: MedGen C3463992, MONDO:0010632, OMIM 308350. Disease mechanism: loss of function.
Intellectual disability, X-linked, with or without seizures, ARX-related. Also called: MENTAL RETARDATION, X-LINKED 29; MENTAL RETARDATION, X-LINKED 32; MENTAL RETARDATION, X-LINKED 33; MENTAL RETARDATION, X-LINKED 38; MENTAL RETARDATION, X-LINKED 43; MENTAL RETARDATION, X-LINKED 76. Identifiers: Orphanet 777, MedGen C0796244, MONDO:0010317, OMIM 300419.

Submission:

Labcorp Genetics (formerly Invitae), Labcorp
Classification: Uncertain significance for Developmental and epileptic encephalopathy, 1; Intellectual disability, X-linked, with or without seizures, ARX-related. Last evaluated: 2024-08-20. Review status: criteria provided, single submitter. Criteria: Invitae Variant Classification Sherloc (09022015). Collection method: clinical testing. Allele origin: germline.
Comment: This sequence change replaces proline, which is neutral and non-polar, with arginine, which is basic and polar, at codon 520 of the ARX protein (p.Pro520Arg). This variant is not present in population databases (gnomAD no frequency). This variant has not been reported in the literature in individuals affected with ARX-related conditions. Invitae Evidence Modeling of protein sequence and biophysical properties (such as structural, functional, and spatial information, amino acid conservation, physicochemical variation, residue mobility, and thermodynamic stability) indicates that this missense variant is expected to disrupt ARX protein function with a positive predictive value of 80%. In summary, the available evidence is currently insufficient to determine the role of this variant in disease. Therefore, it has been classified as a Variant of Uncertain Significance.

NM_139058.3(ARX):c.1559C>G (p.Pro520Arg)

Gene: ARX (aristaless related homeobox; minus strand). Cytogenetic location: Xp21.3.
Variant type: single nucleotide variant.
Coding change: c.1559C>G on transcript NM_139058.3 (MANE Select); coding-DNA position 1559, C replaced by G.
Protein change: p.Pro520Arg; replaces proline 520 with arginine.
Molecular consequence: missense variant.
Genome position (GRCh38, 1-based): chrX:25,004,800, G>C on the plus strand (C>G on the coding strand, the complement: ARX is on the minus strand). VCF-style: chrX-25004800-G-C. GRCh37 (hg19) VCF-style: chrX-25022917-G-C.
Other names: short protein forms P520R.
Identifiers: ClinVar variation 3753784 (VCV003753784.2).